The following is an entry in ClinVar:

NM_017534.6(MYH2):c.5113A>G (p.Arg1705Gly)

Genes: MYH2 (myosin heavy chain 2; minus strand), MYHAS (myosin heavy chain gene cluster antisense RNA; plus strand), LOC126862500 (BRD4-independent group 4 enhancer GRCh37_chr17:10427829-10429028; plus strand). Cytogenetic location: 17p13.1.
Variant type: single nucleotide variant.
Coding change: c.5113A>G on transcript NM_017534.6 (MANE Select); coding-DNA position 5113, A replaced by G.
Protein change: p.Arg1705Gly; replaces arginine 1705 with glycine.
Molecular consequence: missense variant.
Genome position (GRCh38, 1-based): chr17:10,524,528, T>C on the plus strand (A>G on the coding strand, the complement: MYH2 is on the minus strand). VCF-style: chr17-10524528-T-C. GRCh37 (hg19) VCF-style: chr17-10427845-T-C.
Other names: c.5113A>G (NM_017534.5); c.5113A>G, p.Arg1705Gly (NM_001100112.2); short protein forms R1705G.
Identifiers: ClinVar variation 2155453 (VCV002155453.5), dbSNP rs141243548, ClinGen allele CA8390491.
Genomic context (GRCh38, chr17:10,524,528, plus strand): 5'-GGGTGTGCAGTAGCTGAACACGCTCACTGGCATCCAGGAGCTCCTGTTCTGCGATTTTTC[T>C]GCTCCTCTCTGTCTGTTCCAGAGTGGCCCGCAGCTCCTCGATCTCAGCCTGCAGCAGGTT-3'
Protein context (NP_060004.3, residues 1695-1715): RATLEQTERS[Arg1705Gly]KIAEQELLDA

ClinVar aggregate classification (germline): Uncertain significance. Review status: criteria provided, multiple submitters, no conflicts (2 of 4 stars). 2 submissions from 2 submitters: Uncertain significance (2). Last evaluated 2024-11-12.

Conditions:
Inborn genetic diseases. Identifiers: MedGen C0950123, MeSH D030342.
Myopathy, proximal, and ophthalmoplegia (CMYO6). Also called: INCLUSION BODY MYOPATHY 3, AUTOSOMAL DOMINANT; MYOPATHY WITH CONGENITAL JOINT CONTRACTURES, OPHTHALMOPLEGIA, AND RIMMED VACUOLES; CONGENITAL MYOPATHY 6 WITH OPHTHALMOPLEGIA. Identifiers: Orphanet 363677, Orphanet 79091, MedGen C1854106, MONDO:0011577, OMIM 605637.

Allele frequency attached by ClinVar (database versions not stated): gnomAD exomes 0.00001; ExAC 0.00002; TOPMed 0.00006; gnomAD 0.00009; ESP Exome Variant Server 0.00015.
gnomAD v4.1: 26 of 1,614,120 alleles (0.0016%); highest among the groups gnomAD compares: African/African-American, 0.029%; no homozygotes.

Submissions (2):

Labcorp Genetics (formerly Invitae), Labcorp
Classification: Uncertain significance for Myopathy, proximal, and ophthalmoplegia. Last evaluated: 2024-11-12. Review status: criteria provided, single submitter. Criteria: Invitae Variant Classification Sherloc (09022015). Collection method: clinical testing. Allele origin: germline.
Comment: This sequence change replaces arginine, which is basic and polar, with glycine, which is neutral and non-polar, at codon 1705 of the MYH2 protein (p.Arg1705Gly). This variant is present in population databases (rs141243548, gnomAD 0.03%). This variant has not been reported in the literature in individuals affected with MYH2-related conditions. ClinVar contains an entry for this variant (Variation ID: 2155453). Invitae Evidence Modeling of protein sequence and biophysical properties (such as structural, functional, and spatial information, amino acid conservation, physicochemical variation, residue mobility, and thermodynamic stability) indicates that this missense variant is expected to disrupt MYH2 protein function with a positive predictive value of 80%. In summary, the available evidence is currently insufficient to determine the role of this variant in disease. Therefore, it has been classified as a Variant of Uncertain Significance.

Ambry Genetics
Classification: Uncertain significance for Inborn genetic diseases. Last evaluated: 2023-12-12. Review status: criteria provided, single submitter. Criteria: Ambry Variant Classification Scheme 2023. Collection method: clinical testing. Allele origin: germline.